The following is an entry in ClinVar:

NM_020832.3(ZNF687):c.524A>C (p.Asp175Ala)

Gene: ZNF687 (zinc finger protein 687; plus strand). Cytogenetic location: 1q21.3.
Variant type: single nucleotide variant.
Coding change: c.524A>C on transcript NM_020832.3 (MANE Select); coding-DNA position 524, A replaced by C.
Protein change: p.Asp175Ala; replaces aspartic acid 175 with alanine.
Molecular consequence: missense variant.
Genome position (GRCh38, 1-based): chr1:151,286,815, A>C. VCF-style: chr1-151286815-A-C. GRCh37 (hg19) VCF-style: chr1-151259291-A-C.
Other names: c.524A>C, p.Asp175Ala (NM_001304763.2, NM_001304764.2); c.524A>C (NM_020832.1); short protein forms D175A.
Identifiers: ClinVar variation 2798935 (VCV002798935.4), dbSNP rs779473474, ClinGen allele CA1088166.
Genomic context (GRCh38, chr1:151,286,815, plus strand): 5'-AAGGCAAAACTCCCTTGGACCTGTTTGCTCATTTTGGCCCTGAGCCAGGGGACCACTCAG[A>C]TCCGCTGCCTCCCTCTGCACCCTCTCCCACTCGGGAGGGGGCTCTGACCCCGCCTCCTTT-3'
Protein context (NP_065883.1, residues 165-185): HFGPEPGDHS[Asp175Ala]PLPPSAPSPT

ClinVar aggregate classification (germline): Uncertain significance. Review status: criteria provided, multiple submitters, no conflicts (2 of 4 stars). 2 submissions from 2 submitters: Uncertain significance (2). Last evaluated 2025-08-02.

Allele frequency attached by ClinVar (database versions not stated): gnomAD exomes below 0.00001; ExAC 0.00001; gnomAD 0.00001; TOPMed 0.00003.
gnomAD v4.1: 3 of 1,614,012 alleles (0.00019%); highest among the groups gnomAD compares: African/African-American, 0.004%; no homozygotes.

Submissions (2):

Ambry Genetics
Classification: Uncertain significance. Last evaluated: 2025-08-02. Review status: criteria provided, single submitter. Criteria: Ambry Variant Classification Scheme 2023. Collection method: clinical testing. Allele origin: germline.

Labcorp Genetics (formerly Invitae), Labcorp
Classification: Uncertain significance. Last evaluated: 2023-04-03. Review status: criteria provided, single submitter. Criteria: Invitae Variant Classification Sherloc (09022015). Collection method: clinical testing. Allele origin: germline.
Comment: An algorithm developed to predict the effect of missense changes on protein structure and function (PolyPhen-2) suggests that this variant is likely to be tolerated. In summary, the available evidence is currently insufficient to determine the role of this variant in disease. Therefore, it has been classified as a Variant of Uncertain Significance. This variant has not been reported in the literature in individuals affected with ZNF687-related conditions. This variant is present in population databases (rs779473474, gnomAD 0.007%). This sequence change replaces aspartic acid, which is acidic and polar, with alanine, which is neutral and non-polar, at codon 175 of the ZNF687 protein (p.Asp175Ala).